The following is an entry in ClinVar:

ClinVar aggregate classification (germline): Uncertain significance. Review status: criteria provided, multiple submitters, no conflicts (2 of 4 stars). 3 submissions from 3 submitters: Uncertain significance (3). Last evaluated 2026-01-07.

Conditions:
Ehlers-Danlos syndrome, classic type, 1 (EDSCL1). Also called: Ehlers-Danlos syndrome, type 1; EHLERS-DANLOS SYNDROME, GRAVIS TYPE; EHLERS-DANLOS SYNDROME, SEVERE CLASSIC TYPE; EDS I; Ehlers-Danlos Syndrome, Classic Type, COL5A1-Related. Identifiers: MedGen C0268335, MONDO:0019567, OMIM 130000.
Ehlers-Danlos syndrome, classic type, 2 (EDSCL2). Also called: Ehlers-Danlos syndrome, type 2; Ehlers-Danlos syndrome type 2 (formerly); Ehlers-Danlos Syndrome, Classic Type, COL5A2-Related. Identifiers: Orphanet 287, Orphanet 90318, MedGen C0268336, MONDO:0019568, OMIM 130010.

Allele frequency attached by ClinVar (database versions not stated): TOPMed below 0.00001; gnomAD 0.00001; ExAC 0.00001.
gnomAD v4.1: 4 of 1,614,068 alleles (0.00025%); highest among the groups gnomAD compares: Non-Finnish European, 0.00034%; no homozygotes.

Submissions (3):

Labcorp Genetics (formerly Invitae), Labcorp
Classification: Uncertain significance for Ehlers-Danlos syndrome, classic type, 1. Last evaluated: 2026-01-07. Review status: criteria provided, single submitter. Criteria: Invitae Variant Classification Sherloc (09022015). Collection method: clinical testing. Allele origin: germline.
Comment: This sequence change replaces glutamic acid, which is acidic and polar, with aspartic acid, which is acidic and polar, at codon 865 of the COL5A2 protein (p.Glu865Asp). This variant is present in population databases (rs746155819, gnomAD 0.0009%). This variant has not been reported in the literature in individuals affected with COL5A2-related conditions. ClinVar contains an entry for this variant (Variation ID: 930777). Invitae Evidence Modeling of protein sequence and biophysical properties (such as structural, functional, and spatial information, amino acid conservation, physicochemical variation, residue mobility, and thermodynamic stability) indicates that this missense variant is not expected to disrupt COL5A2 protein function with a negative predictive value of 80%. In summary, the available evidence is currently insufficient to determine the role of this variant in disease. Therefore, it has been classified as a Variant of Uncertain Significance.

GeneDx
Classification: Uncertain significance. Last evaluated: 2023-07-12. Review status: criteria provided, single submitter. Criteria: GeneDx Variant Classification Process June 2021. Collection method: clinical testing. Allele origin: germline. Affected: yes.
Comment: Has not been previously published as pathogenic or benign to our knowledge; Not observed at significant frequency in large population cohorts (gnomAD); In silico analysis supports that this missense variant does not alter protein structure/function

Centre for Mendelian Genomics, University Medical Centre Ljubljana
Classification: Uncertain significance for Ehlers-Danlos syndrome, classic type, 2. Last evaluated: 2019-08-09. Review status: criteria provided, single submitter. Criteria: ACMG Guidelines, 2015. Collection method: clinical testing. Allele origin: unknown. Affected: yes.
Comment: This variant was classified as: Uncertain significance. The available evidence on this variant's pathogenicity is insufficient or conflicting.

NM_000393.5(COL5A2):c.2595G>C (p.Glu865Asp)

Gene: COL5A2 (collagen type V alpha 2 chain; minus strand). Cytogenetic location: 2q32.2.
Variant type: single nucleotide variant.
Coding change: c.2595G>C on transcript NM_000393.5 (MANE Select); coding-DNA position 2595, G replaced by C.
Protein change: p.Glu865Asp; replaces glutamic acid 865 with aspartic acid.
Molecular consequence: missense variant.
Genome position (GRCh38, 1-based): chr2:189,052,977, C>G on the plus strand (G>C on the coding strand, the complement: COL5A2 is on the minus strand). VCF-style: chr2-189052977-C-G. GRCh37 (hg19) VCF-style: chr2-189917703-C-G.
Other names: short protein forms E865D.
Identifiers: ClinVar variation 930777 (VCV000930777.52), dbSNP rs746155819, ClinGen allele CA2022262.